The following is an entry in ClinVar:

NM_000179.3(MSH6):c.673A>T (p.Ile225Phe)

Gene: MSH6 (mutS homolog 6; plus strand). Cytogenetic location: 2p16.3.
Variant type: single nucleotide variant.
Coding change: c.673A>T on transcript NM_000179.3 (MANE Select); coding-DNA position 673, A replaced by T.
Protein change: p.Ile225Phe; replaces isoleucine 225 with phenylalanine.
Molecular consequence: missense variant. On other transcripts: 5 prime UTR variant (2).
Genome position (GRCh38, 1-based): chr2:47,798,656, A>T. VCF-style: chr2-47798656-A-T. GRCh37 (hg19) VCF-style: chr2-48025795-A-T.
Other names: c.283A>T, p.Ile95Phe (NM_001281492.2); c.-234A>T (NM_001281493.2, NM_001281494.2, NM_001406811.1 and 6 more transcripts); c.769A>T, p.Ile257Phe (NM_001406795.1, NM_001406802.1); c.673A>T, p.Ile225Phe (NM_001406796.1, NM_001406798.1, NM_001406800.1 and 4 more transcripts); c.376A>T, p.Ile126Phe (NM_001406797.1, NM_001406801.1, NM_001406805.1 and 10 more transcripts); c.148A>T, p.Ile50Phe (NM_001406799.1, NM_001406806.1, NM_001406807.1); c.595A>T, p.Ile199Phe (NM_001406804.1); c.679A>T, p.Ile227Phe (NM_001406813.1); and 1 more; short protein forms I225F, I95F, I199F, I227F, I257F, I126F, I50F, I169F.
Identifiers: ClinVar variation 2131585 (VCV002131585.4), dbSNP rs2104290341, ClinGen allele CA346739433.

ClinVar aggregate classification (germline): Uncertain significance (1 of 4 stars; one submission).

Conditions:
Hereditary nonpolyposis colorectal neoplasms. Identifiers: MedGen C0009405, MeSH D003123.

Submission:

Labcorp Genetics (formerly Invitae), Labcorp
Classification: Uncertain significance for Hereditary nonpolyposis colorectal neoplasms. Last evaluated: 2022-04-28. Review status: criteria provided, single submitter. Criteria: Invitae Variant Classification Sherloc (09022015). Collection method: clinical testing. Allele origin: germline.
Comment: This variant is not present in population databases (gnomAD no frequency). This variant has not been reported in the literature in individuals affected with MSH6-related conditions. Advanced modeling of protein sequence and biophysical properties (such as structural, functional, and spatial information, amino acid conservation, physicochemical variation, residue mobility, and thermodynamic stability) performed at Invitae indicates that this missense variant is not expected to disrupt MSH6 protein function. In summary, the available evidence is currently insufficient to determine the role of this variant in disease. Therefore, it has been classified as a Variant of Uncertain Significance. This sequence change replaces isoleucine, which is neutral and non-polar, with phenylalanine, which is neutral and non-polar, at codon 225 of the MSH6 protein (p.Ile225Phe).